The following is an entry in ClinVar:

NM_001145860.2(POP1):c.10G>C (p.Ala4Pro)

Gene: POP1 (POP1 ribonuclease P/MRP subunit; plus strand). Cytogenetic location: 8q22.2.
Variant type: single nucleotide variant.
Coding change: c.10G>C on transcript NM_001145860.2 (MANE Select); coding-DNA position 10, G replaced by C.
Protein change: p.Ala4Pro; replaces alanine 4 with proline.
Molecular consequence: missense variant.
Genome position (GRCh38, 1-based): chr8:98,123,347, G>C. VCF-style: chr8-98123347-G-C. GRCh37 (hg19) VCF-style: chr8-99135575-G-C.
Other names: c.10G>C, p.Ala4Pro (NM_001145861.2, NM_015029.3); short protein forms A4P.
Identifiers: ClinVar variation 1450279 (VCV001450279.9), dbSNP rs145484648, ClinGen allele CA4820212.

ClinVar aggregate classification (germline): Uncertain significance. Review status: criteria provided, multiple submitters, no conflicts (2 of 4 stars). 2 submissions from 2 submitters: Uncertain significance (2). Last evaluated 2025-12-15.

gnomAD v4.1: 30 of 1,613,412 alleles (0.0019%); highest among the groups gnomAD compares: Admixed American, 0.015%; no homozygotes.

Submissions (2):

Labcorp Genetics (formerly Invitae), Labcorp
Classification: Uncertain significance. Last evaluated: 2025-12-15. Review status: criteria provided, single submitter. Criteria: Invitae Variant Classification Sherloc (09022015). Collection method: clinical testing. Allele origin: germline.
Comment: This sequence change replaces alanine, which is neutral and non-polar, with proline, which is neutral and non-polar, at codon 4 of the POP1 protein (p.Ala4Pro). This variant is present in population databases (rs145484648, gnomAD 0.02%). This variant has not been reported in the literature in individuals affected with POP1-related conditions. ClinVar contains an entry for this variant (Variation ID: 1450279). An algorithm developed to predict the effect of missense changes on protein structure and function (PolyPhen-2) suggests that this variant is likely to be disruptive. In summary, the available evidence is currently insufficient to determine the role of this variant in disease. Therefore, it has been classified as a Variant of Uncertain Significance.

Blueprint Genetics
Classification: Uncertain significance. Last evaluated: 2024-05-14. Review status: criteria provided, single submitter. Criteria: ACMG Guidelines, 2015. Collection method: clinical testing. Allele origin: germline.